The following is an entry in ClinVar:

NM_000256.3(MYBPC3):c.1227-1_1228dup

Gene: MYBPC3 (myosin binding protein C3; minus strand). Cytogenetic location: 11p11.2.
Variant type: Duplication.
Coding change: c.1227-1_1228dup on transcript NM_000256.3 (MANE Select); the canonical splice acceptor site of the intron before coding-DNA position 1227 through coding-DNA position 1228, 3 bases duplicated (GGT; older notation c.1227-1_1228dupGGT).
Molecular consequence: splice acceptor variant.
Genome position (GRCh38, 1-based): chr11:47,343,144-47,343,146, ACC duplicated on the plus strand (GGT on the coding strand, the reverse complement: MYBPC3 is on the minus strand). VCF-style (leftmost placement, unchanged base first): chr11-47343143-T-TACC. GRCh37 (hg19) VCF-style: chr11-47364694-T-TACC.
Identifiers: ClinVar variation 2580394 (VCV002580394.2), dbSNP rs746979805, ClinGen allele CA5975377.

ClinVar aggregate classification (germline): Uncertain significance. Review status: criteria provided, multiple submitters, no conflicts (2 of 4 stars). 2 submissions from 2 submitters: Uncertain significance (2). Last evaluated 2025-02-20.

Conditions:
Hypertrophic cardiomyopathy. Also called: HYPERTROPHIC MYOCARDIOPATHY. Identifiers: Orphanet 217569, MedGen C0007194, MeSH D002312, MONDO:0005045, HP:0001639.

Allele frequency attached by ClinVar (database versions not stated): gnomAD exomes below 0.00001; ExAC 0.00001.

Submissions (2):

Labcorp Genetics (formerly Invitae), Labcorp
Classification: Uncertain significance for Hypertrophic cardiomyopathy. Last evaluated: 2025-02-20. Review status: criteria provided, single submitter. Criteria: Invitae Variant Classification Sherloc (09022015). Collection method: clinical testing. Allele origin: germline.
Comment: This variant, c.1227-1_1228dup, results in the insertion of 1 amino acid(s) of the MYBPC3 protein (p.Lys409_Tyr410insTrp), but otherwise preserves the integrity of the reading frame. This variant is present in population databases (rs746979805, gnomAD 0.0009%). This variant has not been reported in the literature in individuals affected with MYBPC3-related conditions. ClinVar contains an entry for this variant (Variation ID: 2580394). Experimental studies and prediction algorithms are not available or were not evaluated, and the functional significance of this variant is currently unknown. In summary, the available evidence is currently insufficient to determine the role of this variant in disease. Therefore, it has been classified as a Variant of Uncertain Significance.

GeneDx
Classification: Uncertain significance. Last evaluated: 2023-03-22. Review status: criteria provided, single submitter. Criteria: GeneDx Variant Classification Process June 2021. Collection method: clinical testing. Allele origin: germline. Affected: yes.
Comment: Has not been previously published as pathogenic or benign to our knowledge; Not observed at significant frequency in large population cohorts (gnomAD); In-frame insertion of 1 amino acid in a non-repeat region